The following is an entry in ClinVar:

NM_004385.5(VCAN):c.8373T>A (p.Ser2791Arg)

Genes: VCAN (versican; plus strand), VCAN-AS1 (VCAN antisense RNA 1; minus strand). Cytogenetic location: 5q14.3.
Variant type: single nucleotide variant.
Coding change: c.8373T>A on transcript NM_004385.5 (MANE Select); coding-DNA position 8373, T replaced by A.
Protein change: p.Ser2791Arg; replaces serine 2791 with arginine.
Molecular consequence: missense variant. On other transcripts: intron variant (2).
Genome position (GRCh38, 1-based): chr5:83,541,376, T>A. VCF-style: chr5-83541376-T-A. GRCh37 (hg19) VCF-style: chr5-82837195-T-A.
Other names: c.5412T>A, p.Ser1804Arg (NM_001164097.2); c.4004-4161T>A (NM_001164098.2); c.1043-4161T>A (NM_001126336.3); short protein forms S2791R, S1804R.
Identifiers: ClinVar variation 1966567 (VCV001966567.5), dbSNP rs761118884, ClinGen allele CA3333793.

ClinVar aggregate classification (germline): Uncertain significance (1 of 4 stars; one submission).

Allele frequency attached by ClinVar (database versions not stated): ExAC 0.00001; TOPMed 0.00001.

Submission:

Labcorp Genetics (formerly Invitae), Labcorp
Classification: Uncertain significance. Last evaluated: 2024-10-07. Review status: criteria provided, single submitter. Criteria: Invitae Variant Classification Sherloc (09022015). Collection method: clinical testing. Allele origin: germline.
Comment: This sequence change replaces serine, which is neutral and polar, with arginine, which is basic and polar, at codon 2791 of the VCAN protein (p.Ser2791Arg). This variant is present in population databases (rs761118884, gnomAD 0.003%). This variant has not been reported in the literature in individuals affected with VCAN-related conditions. ClinVar contains an entry for this variant (Variation ID: 1966567). An algorithm developed to predict the effect of missense changes on protein structure and function outputs the following: PolyPhen-2: "Benign". The arginine amino acid residue is found in multiple mammalian species, which suggests that this missense change does not adversely affect protein function. In summary, the available evidence is currently insufficient to determine the role of this variant in disease. Therefore, it has been classified as a Variant of Uncertain Significance.